The following is an entry in ClinVar:

NM_014714.4(IFT140):c.212C>G (p.Pro71Arg)

Genes: IFT140 (intraflagellar transport 140; minus strand), LOC105371046 (uncharacterized LOC105371046; plus strand). Cytogenetic location: 16p13.3.
Variant type: single nucleotide variant.
Coding change: c.212C>G on transcript NM_014714.4 (MANE Select); coding-DNA position 212, C replaced by G.
Protein change: p.Pro71Arg; replaces proline 71 with arginine.
Molecular consequence: missense variant.
Genome position (GRCh38, 1-based): chr16:1,602,527, G>C on the plus strand (C>G on the coding strand, the complement: IFT140 is on the minus strand). VCF-style: chr16-1602527-G-C. GRCh37 (hg19) VCF-style: chr16-1652528-G-C.
Other names: short protein forms P71R.
Identifiers: ClinVar variation 1935520 (VCV001935520.5), dbSNP rs772757427, ClinGen allele CA394223249.

ClinVar aggregate classification (germline): Uncertain significance (1 of 4 stars; one submission).

Conditions:
Saldino-Mainzer syndrome (SRTD9). Also called: Renal dysplasia, retinal pigmentary dystrophy, cerebellar ataxia and skeletal dysplasia; CONORENAL SYNDROME; short-rib thoracic dysplasia 9 with or without polydactyly; SHORT-RIB THORACIC DYSPLASIA 9 WITHOUT POLYDACTYLY. Identifiers: Orphanet 140969, MedGen C1849437, MONDO:0009964, OMIM 266920.

Submission:

Labcorp Genetics (formerly Invitae), Labcorp
Classification: Uncertain significance for Saldino-Mainzer syndrome. Last evaluated: 2022-06-23. Review status: criteria provided, single submitter. Criteria: Invitae Variant Classification Sherloc (09022015). Collection method: clinical testing. Allele origin: germline.
Comment: This variant disrupts the p.Pro71 amino acid residue in IFT140. Other variant(s) that disrupt this residue have been determined to be pathogenic (PMID: 26216056, 31054281; Invitae). This suggests that this residue is clinically significant, and that variants that disrupt this residue are likely to be disease-causing. In summary, the available evidence is currently insufficient to determine the role of this variant in disease. Therefore, it has been classified as a Variant of Uncertain Significance. Algorithms developed to predict the effect of missense changes on protein structure and function are either unavailable or do not agree on the potential impact of this missense change (SIFT: "Deleterious"; PolyPhen-2: "Probably Damaging"; Align-GVGD: "Class C0"). This sequence change replaces proline, which is neutral and non-polar, with arginine, which is basic and polar, at codon 71 of the IFT140 protein (p.Pro71Arg). This variant is not present in population databases (gnomAD no frequency). This variant has not been reported in the literature in individuals affected with IFT140-related conditions.

Literature cited by the submitters: PubMed 26216056; PubMed 31054281.